The following is an entry in ClinVar:

NM_016426.7(GTSE1):c.877G>A (p.Ala293Thr)

Gene: GTSE1 (G2 and S-phase expressed 1; plus strand). Cytogenetic location: 22q13.31.
Variant type: single nucleotide variant.
Coding change: c.877G>A on transcript NM_016426.7 (MANE Select); coding-DNA position 877, G replaced by A.
Protein change: p.Ala293Thr; replaces alanine 293 with threonine.
Molecular consequence: missense variant.
Genome position (GRCh38, 1-based): chr22:46,312,255, G>A. VCF-style: chr22-46312255-G-A. GRCh37 (hg19) VCF-style: chr22-46708152-G-A.
Other names: short protein forms A293T.
Identifiers: ClinVar variation 786699 (VCV000786699.5), dbSNP rs35503220, ClinGen allele CA10291418.

ClinVar aggregate classification (germline): Benign. Review status: criteria provided, multiple submitters, no conflicts (2 of 4 stars). 3 submissions from 3 submitters: Benign (3). Last evaluated 2020-10-29.

Allele frequency attached by ClinVar (database versions not stated): gnomAD 0.02454 and 0.02645; 1000 Genomes Project 30x 0.03014; ESP Exome Variant Server 0.02991; TOPMed 0.02793; 1000 Genomes Project 0.02835.

Submissions (3):

GeneDx
Classification: Benign. Last evaluated: 2020-10-29. Review status: criteria provided, single submitter. Criteria: GeneDx Variant Classification Process June 2021. Collection method: clinical testing. Allele origin: germline. Affected: yes.
Comment: This variant is associated with the following publications: (PMID: 30924900)

Labcorp Genetics (formerly Invitae), Labcorp
Classification: Benign. Last evaluated: 2018-07-23. Review status: criteria provided, single submitter. Criteria: Invitae Variant Classification Sherloc (09022015). Collection method: clinical testing. Allele origin: germline.

Breakthrough Genomics
Classification: Benign. Review status: criteria provided, single submitter. Criteria: ACMG Guidelines, 2015. Collection method: not provided. Allele origin: germline. Inheritance: Unknown mechanism. Affected: yes.